The following is an entry in ClinVar:

NM_001378778.1(MPDZ):c.3697A>C (p.Asn1233His)

Gene: MPDZ (multiple PDZ domain crumbs cell polarity complex component; minus strand). Cytogenetic location: 9p23.
Variant type: single nucleotide variant.
Coding change: c.3697A>C on transcript NM_001378778.1 (MANE Select); coding-DNA position 3697, A replaced by C.
Protein change: p.Asn1233His; replaces asparagine 1233 with histidine.
Molecular consequence: missense variant. On other transcripts: intron variant (8).
Genome position (GRCh38, 1-based): chr9:13,147,592, T>G on the plus strand (A>C on the coding strand, the complement: MPDZ is on the minus strand). VCF-style: chr9-13147592-T-G. GRCh37 (hg19) VCF-style: chr9-13147591-T-G.
Other names: c.3697A>C, p.Asn1233His (NM_001261406.2, NM_001261407.2, NM_001330637.2 and 6 more transcripts); c.3630+2919A>C (NM_001375425.1, NM_001375420.1, NM_001375423.1 and 4 more transcripts); c.3432+2919A>C (NM_001375427.1); short protein forms N1233H.
Identifiers: ClinVar variation 1515762 (VCV001515762.6), dbSNP rs1230412283, ClinGen allele CA372950457.
Genomic context (GRCh38, chr9:13,147,592, plus strand): 5'-CTTTGTGTTCGCTTACCCTTGGTCTGTTTATAATGCTCTGTACCATAAAGACTACAGGGT[T>G]GCCTGCTTTCCGAATGGCTTCCACAGCTTGTTCATGGCTTGCATCTCTGAGGTCCATTCC-3'
Protein context (NP_001365707.1, residues 1223-1243): QAVEAIRKAG[Asn1233His]PVVFMVQSII

ClinVar aggregate classification (germline): Uncertain significance (1 of 4 stars; one submission).

Allele frequency attached by ClinVar (database versions not stated): gnomAD exomes below 0.00001; gnomAD 0.00001; TOPMed 0.00001.
gnomAD v4.1: 6 of 1,612,386 alleles (0.00037%); highest among the groups gnomAD compares: Middle Eastern, 0.033%; no homozygotes.

Submission:

Labcorp Genetics (formerly Invitae), Labcorp
Classification: Uncertain significance. Last evaluated: 2023-08-18. Review status: criteria provided, single submitter. Criteria: Invitae Variant Classification Sherloc (09022015). Collection method: clinical testing. Allele origin: germline.
Comment: This variant is not present in population databases (gnomAD no frequency). In summary, the available evidence is currently insufficient to determine the role of this variant in disease. Therefore, it has been classified as a Variant of Uncertain Significance. An algorithm developed to predict the effect of missense changes on protein structure and function (PolyPhen-2) suggests that this variant is likely to be disruptive. ClinVar contains an entry for this variant (Variation ID: 1515762). This variant has not been reported in the literature in individuals affected with MPDZ-related conditions. This sequence change replaces asparagine, which is neutral and polar, with histidine, which is basic and polar, at codon 1233 of the MPDZ protein (p.Asn1233His).